The following is an entry in ClinVar:

NM_006502.3(POLH):c.105A>C (p.Ala35=)

Gene: POLH (DNA polymerase eta; plus strand). Cytogenetic location: 6p21.1.
Variant type: single nucleotide variant.
Coding change: c.105A>C on transcript NM_006502.3 (MANE Select); coding-DNA position 105, A replaced by C.
Protein change: p.Ala35=; no amino-acid change (alanine 35 retained).
Molecular consequence: synonymous variant. On other transcripts: intron variant (1).
Genome position (GRCh38, 1-based): chr6:43,582,424, A>C. VCF-style: chr6-43582424-A-C. GRCh37 (hg19) VCF-style: chr6-43550161-A-C.
Other names: c.-17-583A>C (NM_001291969.2); c.105A>C, p.Ala35= (NM_001291970.2).
Identifiers: ClinVar variation 4533702 (VCV004533702.6).

ClinVar aggregate classification (germline): Likely benign (1 of 4 stars; one submission).

gnomAD v4.1: 2 of 1,613,948 alleles (0.00012%); no homozygotes.

Submission:

CeGaT Center for Human Genetics Tuebingen
Classification: Likely benign. Last evaluated: 2025-10-01. Review status: criteria provided, single submitter. Criteria: CeGaT Center For Human Genetics Tuebingen Variant Classification Criteria Version 2. Collection method: clinical testing. Allele origin: germline. Affected: yes. Observed: 1 variant allele.
Comment: POLH: BP4, BP7